The following is an entry in ClinVar:

ClinVar aggregate classification (germline): Uncertain significance (1 of 4 stars; one submission).

gnomAD v4.1: 15 of 1,613,694 alleles (0.00093%); highest among the groups gnomAD compares: Non-Finnish European, 0.0013%; no homozygotes.

Submission:

Labcorp Genetics (formerly Invitae), Labcorp
Classification: Uncertain significance. Last evaluated: 2025-08-22. Review status: criteria provided, single submitter. Criteria: Invitae Variant Classification Sherloc (09022015). Collection method: clinical testing. Allele origin: germline.
Comment: This sequence change replaces valine, which is neutral and non-polar, with leucine, which is neutral and non-polar, at codon 385 of the DCHS1 protein (p.Val385Leu). This variant is not present in population databases (gnomAD no frequency). This variant has not been reported in the literature in individuals affected with DCHS1-related conditions. Invitae Evidence Modeling of protein sequence and biophysical properties (such as structural, functional, and spatial information, amino acid conservation, physicochemical variation, residue mobility, and thermodynamic stability) indicates that this missense variant is not expected to disrupt DCHS1 protein function with a negative predictive value of 80%. In summary, the available evidence is currently insufficient to determine the role of this variant in disease. Therefore, it has been classified as a Variant of Uncertain Significance.

NM_003737.4(DCHS1):c.1153G>C (p.Val385Leu)

Gene: DCHS1 (dachsous cadherin-related 1; minus strand). Cytogenetic location: 11p15.4.
Variant type: single nucleotide variant.
Coding change: c.1153G>C on transcript NM_003737.4 (MANE Select); coding-DNA position 1153, G replaced by C.
Protein change: p.Val385Leu; replaces valine 385 with leucine.
Molecular consequence: missense variant.
Genome position (GRCh38, 1-based): chr11:6,640,461, C>G on the plus strand (G>C on the coding strand, the complement: DCHS1 is on the minus strand). VCF-style: chr11-6640461-C-G. GRCh37 (hg19) VCF-style: chr11-6661692-C-G.
Other names: short protein forms V385L.
Identifiers: ClinVar variation 4762932 (VCV004762932.1).